The following is an entry in ClinVar:

ClinVar aggregate classification (germline): Uncertain significance (1 of 4 stars; one submission).

Allele frequency attached by ClinVar (database versions not stated): gnomAD exomes below 0.00001.
gnomAD v4.1: 2 of 1,579,302 alleles (0.00013%); highest among the groups gnomAD compares: African/African-American, 0.0013%; no homozygotes.

Submission:

Labcorp Genetics (formerly Invitae), Labcorp
Classification: Uncertain significance. Last evaluated: 2022-08-23. Review status: criteria provided, single submitter. Criteria: Invitae Variant Classification Sherloc (09022015). Collection method: clinical testing. Allele origin: germline.
Comment: This sequence change replaces histidine, which is basic and polar, with tyrosine, which is neutral and polar, at codon 2772 of the ADGRV1 protein (p.His2772Tyr). This variant is not present in population databases (gnomAD no frequency). This variant has not been reported in the literature in individuals affected with ADGRV1-related conditions. Algorithms developed to predict the effect of missense changes on protein structure and function are either unavailable or do not agree on the potential impact of this missense change (SIFT: "Tolerated"; PolyPhen-2: "Possibly Damaging"; Align-GVGD: "Class C0"). In summary, the available evidence is currently insufficient to determine the role of this variant in disease. Therefore, it has been classified as a Variant of Uncertain Significance.

NM_032119.4(ADGRV1):c.8314C>T (p.His2772Tyr)

Gene: ADGRV1 (adhesion G protein-coupled receptor V1; plus strand). Cytogenetic location: 5q14.3.
Variant type: single nucleotide variant.
Coding change: c.8314C>T on transcript NM_032119.4 (MANE Select); coding-DNA position 8314, C replaced by T.
Protein change: p.His2772Tyr; replaces histidine 2772 with tyrosine.
Molecular consequence: missense variant. On other transcripts: non-coding transcript variant (1).
Genome position (GRCh38, 1-based): chr5:90,704,416, C>T. VCF-style: chr5-90704416-C-T. GRCh37 (hg19) VCF-style: chr5-90000233-C-T.
Other names: short protein forms H2772Y.
Identifiers: ClinVar variation 2100155 (VCV002100155.4), dbSNP rs2531067913, ClinGen allele CA360389776.
Genomic context (GRCh38, chr5:90,704,416, plus strand): 5'-ACAGCGGGATTGATTTCTTTCTGTATGACATAGGGGTCGTTGAATACAACATTGTTTGTG[C>T]ATTTGTTGGATGACAACATTCCTGAGGAGAAAGAAGTATACCAAGTCATTCTGTATGATG-3'
Protein context (NP_115495.3, residues 2762-2782): EGSLNTTLFV[His2772Tyr]LLDDNIPEEK